The following is an entry in ClinVar:

ClinVar aggregate classification (germline): Pathogenic/Likely pathogenic. Review status: criteria provided, multiple submitters, no conflicts (2 of 4 stars). 3 submissions from 3 submitters: Pathogenic (1); Likely pathogenic (2). Last evaluated 2025-10-05.

Conditions:
AARS2-related disorder. Also called: AARS2-related condition; AARS2-related disorders. Identifiers: MedGen CN381518, MONDO:1060240.

Allele frequency attached by ClinVar (database versions not stated): ExAC 0.00001; gnomAD 0.00001; TOPMed 0.00001; gnomAD exomes 0.00002.
gnomAD v4.1: 30 of 1,613,922 alleles (0.0019%); highest among the groups gnomAD compares: Non-Finnish European, 0.0024%; no homozygotes.

Submissions (4):

Labcorp Genetics (formerly Invitae), Labcorp
Classification: Pathogenic. Last evaluated: 2025-10-05. Review status: criteria provided, single submitter. Criteria: Invitae Variant Classification Sherloc (09022015). Collection method: clinical testing. Allele origin: germline.
Comment: This sequence change affects a donor splice site in intron 19 of the AARS2 gene. It is expected to disrupt RNA splicing. Variants that disrupt the donor or acceptor splice site typically lead to a loss of protein function (PMID: 16199547), and loss-of-function variants in AARS2 are known to be pathogenic (PMID: 24808023, 30285085, 30819764). This variant is present in population databases (rs768351915, gnomAD 0.007%). Disruption of this splice site has been observed in individual(s) with leukoencephalopathy (PMID: 31099476). In at least one individual the data is consistent with being in trans (on the opposite chromosome) from a pathogenic variant. ClinVar contains an entry for this variant (Variation ID: 280559). Algorithms developed to predict the effect of sequence changes on RNA splicing suggest that this variant may disrupt the consensus splice site. For these reasons, this variant has been classified as Pathogenic.

GeneDx
Classification: Likely pathogenic. Last evaluated: 2025-01-13. Review status: criteria provided, single submitter. Criteria: GeneDx Variant Classification Process June 2021. Collection method: clinical testing. Allele origin: germline. Affected: yes.
Comment: Canonical splice site variant predicted to result in an in-frame loss of the adjacent exon in a gene for which loss of function is a known mechanism of disease; Observed with a pathogenic or likely pathogenic variant on the opposite allele (in trans) in a patient with features of AARS2-related aminoacyl-tRNA synthetase deficiency in published literature (PMID: 31099476); Not observed at significant frequency in large population cohorts (gnomAD); This variant is associated with the following publications: (PMID: 31589614, 31705293, 31099476, 34784527)

Women's Health and Genetics/Laboratory Corporation of America, LabCorp
Classification: Likely pathogenic for AARS2-Related Disorders. Last evaluated: 2024-08-02. Review status: criteria provided, single submitter. Criteria: LabCorp Variant Classification Summary - May 2015. Collection method: clinical testing. Allele origin: germline.
Comment: Variant summary: AARS2 c.2598+1G>T is located in a canonical splice-site and is predicted to affect mRNA splicing resulting in a significantly altered protein due to either exon skipping, shortening, or inclusion of intronic material. Variants that disrupt the consensus splice site are a relatively common cause of aberrant splicing and loss of AARS2 function. Several computational tools predict a significant impact on normal splicing: Four predict the variant abolishes a canonical 5' splicing donor site. However, these predictions have yet to be confirmed by functional studies. The variant allele was found at a frequency of 1.6e-05 in 250504 control chromosomes (gnomAD). c.2598+1G>T has been reported in the literature in an individual affected with Cerebellar atrophy, cognitive decline, psychiatric symptoms, tremors, ataxia, chorea & dystonia (Srivastava_2019). These data do not allow any conclusion about variant significance. To our knowledge, no experimental evidence demonstrating an impact on protein function has been reported. The following publication has been ascertained in the context of this evaluation (PMID: 31099476). ClinVar contains an entry for this variant (Variation ID: 280559). Based on the evidence outlined above, the variant was classified as likely pathogenic.

Dr. Peter K. Rogan Lab, Western University
No classification provided (evidence only). Condition: Adrenocortical carcinoma, hereditary. Review status: no classification provided. Collection method: in vitro. Allele origin: not applicable. Functional consequence: retained intron. Not counted in ClinVar's aggregate classification.

Literature cited by the submitters: PubMed 16199547 (cited by Labcorp Genetics (formerly Invitae), Labcorp); PubMed 24808023 (cited by Labcorp Genetics (formerly Invitae), Labcorp); PubMed 30285085 (cited by Labcorp Genetics (formerly Invitae), Labcorp); PubMed 30819764 (cited by Labcorp Genetics (formerly Invitae), Labcorp); PubMed 31099476 (cited by Labcorp Genetics (formerly Invitae), Labcorp and Women's Health and Genetics/Laboratory Corporation of America, LabCorp).

NM_020745.4(AARS2):c.2598+1G>T

Gene: AARS2 (alanyl-tRNA synthetase 2, mitochondrial; minus strand). Cytogenetic location: 6p21.1.
Variant type: single nucleotide variant.
Coding change: c.2598+1G>T on transcript NM_020745.4 (MANE Select); the canonical splice donor site of the intron after coding-DNA position 2598, G replaced by T.
Molecular consequence: splice donor variant.
Genome position (GRCh38, 1-based): chr6:44,302,059, C>A on the plus strand (G>T on the coding strand, the complement: AARS2 is on the minus strand). VCF-style: chr6-44302059-C-A. GRCh37 (hg19) VCF-style: chr6-44269796-C-A.
Other names: NC_000006.11:g.44269796C>A.
Identifiers: ClinVar variation 280559 (VCV000280559.8), dbSNP rs768351915, ClinGen allele CA3833924.